The following is an entry in ClinVar:

NM_005902.4(SMAD3):c.30G>T (p.Pro10=)

Genes: SMAD3 (SMAD family member 3; plus strand), LOC130057352 (ATAC-STARR-seq lymphoblastoid silent region 6574; plus strand). Cytogenetic location: 15q22.33.
Variant type: single nucleotide variant.
Coding change: c.30G>T on transcript NM_005902.4 (MANE Select); coding-DNA position 30, G replaced by T.
Protein change: p.Pro10=; no amino-acid change (proline 10 retained).
Molecular consequence: synonymous variant.
Genome position (GRCh38, 1-based): chr15:67,066,184, G>T. VCF-style: chr15-67066184-G-T. GRCh37 (hg19) VCF-style: chr15-67358522-G-T.
Other names: c.30G>T, p.Pro10= (NM_001407011.1, NM_001407012.1, NM_001407013.1).
Identifiers: ClinVar variation 1727630 (VCV001727630.9), dbSNP rs1299517586, ClinGen allele CA491015127.
Genomic context (GRCh38, chr15:67,066,184, plus strand): 5'-GCTCCTCGCCGCCCGCGCGCCCTCCCCAGCCATGTCGTCCATCCTGCCTTTCACTCCCCC[G>T]ATCGTGAAGCGCCTGCTGGGCTGGAAGAAGGGCGAGCAGAACGGGCAGGAGGAGAAATGG-3'
Protein context (NP_005893.1, residues 1-20): MSSILPFTP[Pro10=]IVKRLLGWKK

ClinVar aggregate classification (germline): Conflicting classifications of pathogenicity. Review status: criteria provided, conflicting classifications (1 of 4 stars). 4 submissions from 4 submitters: Uncertain significance (1); Likely benign (3). Last evaluated 2023-11-24.

Conditions:
Aneurysm-osteoarthritis syndrome. Also called: SMAD3-Related Loeys-Dietz Syndrome; Loeys-Dietz syndrome, type 1C; LOEYS-DIETZ SYNDROME WITH OSTEOARTHRITIS; ANEURYSMS-OSTEOARTHRITIS SYNDROME. Identifiers: Orphanet 284984, MedGen C3151087, MONDO:0013426, OMIM 613795.
Familial thoracic aortic aneurysm and aortic dissection (TAAD). Also called: Thoracic aortic aneurysms and dissections. Identifiers: Orphanet 91387, MedGen C4707243, MONDO:0019625.

gnomAD v4.1: 12 of 1,609,516 alleles (0.00075%); highest among the groups gnomAD compares: Non-Finnish European, 0.001%; no homozygotes.

Submissions (4):

Labcorp Genetics (formerly Invitae), Labcorp
Classification: Likely benign for Familial thoracic aortic aneurysm and aortic dissection. Last evaluated: 2023-11-24. Review status: criteria provided, single submitter. Criteria: Invitae Variant Classification Sherloc (09022015). Collection method: clinical testing. Allele origin: germline.

All of Us Research Program, National Institutes of Health
Classification: Uncertain significance for Aneurysm-osteoarthritis syndrome. Last evaluated: 2023-11-02. Review status: criteria provided, single submitter. Criteria: ACMG Guidelines, 2015. Collection method: clinical testing. Allele origin: germline. Inheritance: Autosomal dominant inheritance. Observed: 1 variant allele, 1 heterozygote.
Comment: This variant is located in the SMAD3 protein. To our knowledge, functional studies have not been reported for this variant. This variant has not been reported in individuals affected with SMAD3-related disorders in the literature. This variant has been identified in 1/241918 chromosomes in the general population by the Genome Aggregation Database (gnomAD). The available evidence is insufficient to determine the role of this variant in disease conclusively. Therefore, this variant is classified as a Variant of Uncertain Significance.

This study involves interpretation of variants in research participants for the purpose of population health screening. Participant phenotype was not available at the time of variant classification. Additional details can be found in publication PMID: 35346344, PMCID: PMC8962531

ARUP Laboratories, Molecular Genetics and Genomics, ARUP Laboratories
Classification: Likely benign for Aneurysm-osteoarthritis syndrome. Last evaluated: 2023-05-09. Review status: criteria provided, single submitter. Criteria: ARUP Molecular Germline Variant Investigation Process 2024. Collection method: clinical testing. Allele origin: germline.

Ambry Genetics
Classification: Likely benign for Familial thoracic aortic aneurysm and aortic dissection. Last evaluated: 2022-09-02. Review status: criteria provided, single submitter. Criteria: Ambry Variant Classification Scheme 2023. Collection method: clinical testing. Allele origin: germline.